The following is an entry in ClinVar:

ClinVar aggregate classification (germline): Pathogenic/Likely pathogenic. Review status: criteria provided, multiple submitters, no conflicts (2 of 4 stars). 2 submissions from 2 submitters: Pathogenic (1); Likely pathogenic (1). Last evaluated 2020-08-01.

Conditions:
Long QT syndrome (LQTS). Identifiers: MedGen C0023976, MeSH D008133, MONDO:0002442. Disease mechanism: loss of function. Inheritance: Various modes of inheritance.
Familial long QT syndrome (RWS). Also called: VENTRICULAR FIBRILLATION WITH PROLONGED QT INTERVAL; Congenital long QT syndrome; Romano-Ward syndrome. Identifiers: Orphanet 768, MedGen C1141890, MONDO:0019171.

Allele frequency attached by ClinVar (database versions not stated): gnomAD exomes below 0.00001.
gnomAD v4.1: 2 of 1,556,304 alleles (0.00013%); highest among the groups gnomAD compares: Non-Finnish European, 0.000087%; no homozygotes.

Submissions (2):

Labcorp Genetics (formerly Invitae), Labcorp
Classification: Pathogenic for Long QT syndrome. Last evaluated: 2020-08-01. Review status: criteria provided, single submitter. Criteria: Invitae Variant Classification Sherloc (09022015). Collection method: clinical testing. Allele origin: germline.
Comment: For these reasons, this variant has been classified as Pathogenic. Donor and acceptor splice site variants typically lead to a loss of protein function (PMID: 16199547), and loss-of-function variants in KCNQ1 are known to be pathogenic (PMID: 9323054, 19862833). Experimental studies have shown that this variant disrupts mRNA splicing (PMID: 30369311). This variant has been observed in individual(s) with long QT syndrome (PMID: 30369311, 26675252). ClinVar contains an entry for this variant (Variation ID: 666975). This variant is not present in population databases (ExAC no frequency). This sequence change affects an acceptor splice site in intron 12 of the KCNQ1 gene. It is expected to disrupt RNA splicing and likely results in an absent or disrupted protein product.

Laboratory for Molecular Medicine, Mass General Brigham Personalized Medicine
Classification: Likely pathogenic for Familial long QT syndrome. Last evaluated: 2018-03-23. Review status: criteria provided, single submitter. Criteria: LMM Criteria. Collection method: clinical testing. Allele origin: germline. Inheritance: Autosomal recessive inheritance. Observed: 2 variant alleles.
Comment: The c.1591-1G>A variant in KCNQ1 has not been previously reported in individuals with long QT syndrome or in large population studies. This variant occurs in th e invariant region (+/- 1,2) of the splice consensus sequence and is predicted t o cause altered splicing leading to an abnormal or absent protein. Loss-of-funct ion variants in KCNQ1 are associated with LQTS (also known as Romano-Ward syndro me) in the heterozygous state and with Jervell and Lange-Nielsen syndrome (JLNS) in the compound heterozygous or homozygous state. In summary, although addition al studies are required to fully establish its clinical significance, the c.1591 -1G>A variant is likely pathogenic. ACMG Criteria applied (Richards 2015): PM2; PVS1_Strong.

Literature cited by the submitters: PubMed 16199547 (cited by Labcorp Genetics (formerly Invitae), Labcorp); PubMed 9323054 (cited by Labcorp Genetics (formerly Invitae), Labcorp); PubMed 19862833 (cited by Labcorp Genetics (formerly Invitae), Labcorp); PubMed 30369311 (cited by Labcorp Genetics (formerly Invitae), Labcorp); PubMed 26675252 (cited by Labcorp Genetics (formerly Invitae), Labcorp).

NM_000218.3(KCNQ1):c.1591-1G>A

Gene: KCNQ1 (potassium voltage-gated channel subfamily Q member 1; plus strand). Cytogenetic location: 11p15.5.
Variant type: single nucleotide variant.
Coding change: c.1591-1G>A on transcript NM_000218.3 (MANE Select); the canonical splice acceptor site of the intron before coding-DNA position 1591, G replaced by A.
Molecular consequence: splice acceptor variant.
Genome position (GRCh38, 1-based): chr11:2,775,959, G>A. VCF-style: chr11-2775959-G-A. GRCh37 (hg19) VCF-style: chr11-2797189-G-A.
Other names: c.1321-1G>A (NM_001406837.1); c.1495-1G>A (NM_001406836.1); c.1051-1G>A (NM_001406838.1); c.1210-1G>A (NM_181798.2).
Identifiers: ClinVar variation 666975 (VCV000666975.12), dbSNP rs1590081328, ClinGen allele CA379139054.